The following is an entry in ClinVar:

ClinVar aggregate classification (germline): Uncertain significance (1 of 4 stars; one submission).

Conditions:
Epilepsy, familial focal, with variable foci 3 (FFEVF3). Identifiers: MedGen C4310708, MONDO:0014925, OMIM 617118.

Submission:

Labcorp Genetics (formerly Invitae), Labcorp
Classification: Uncertain significance for Epilepsy, familial focal, with variable foci 3. Last evaluated: 2023-07-02. Review status: criteria provided, single submitter. Criteria: Invitae Variant Classification Sherloc (09022015). Collection method: clinical testing. Allele origin: germline.
Comment: In summary, the available evidence is currently insufficient to determine the role of this variant in disease. Therefore, it has been classified as a Variant of Uncertain Significance. This variant disrupts the C-terminus of the NPRL3 protein. Other variant(s) that disrupt this region (p.Tyr519*) have been observed in individuals with NPRL3-related conditions (PMID: 30093711). This suggests that this may be a clinically significant region of the protein. This variant has not been reported in the literature in individuals affected with NPRL3-related conditions. This variant is a gross deletion of the genomic region encompassing exon(s) 14 of the NPRL3 gene, which includes the termination codon. This deletion extends beyond the assayed region for this gene and therefore may encompass additional genes. While this deletion is not anticipated to lead to nonsense mediated decay, it is expected to alter mRNA translation or result in a truncated protein product.

Literature cited by the submitters: PubMed 30093711.

NC_000016.9:g.(?_136704)_(136889_?)del

Gene: NPRL3 (NPR3 like, GATOR1 complex subunit; minus strand). Cytogenetic location: 16p13.3.
Variant type: Deletion.
Identifiers: ClinVar variation 1511232 (VCV001511232.7).